The following is an entry in ClinVar:

ClinVar aggregate classification (germline): Likely benign. Review status: criteria provided, single submitter (1 of 4 stars). 2 submissions from 2 submitters: Likely benign (1). 1 of the submissions does not count toward it. Last evaluated 2022-07-03.

Conditions:
IFT172-related disorder. Also called: IFT172-related condition; IFT172-related disorders.
Short-rib thoracic dysplasia 10 with or without polydactyly (SRTD10). Identifiers: Orphanet 474, MedGen C3810175, MONDO:0014284, OMIM 615630.
Retinitis pigmentosa 71 (RP71). Identifiers: Orphanet 791, MedGen C4225342, MONDO:0014618, OMIM 616394.

Submissions (2):

Labcorp Genetics (formerly Invitae), Labcorp
Classification: Likely benign for Retinitis pigmentosa 71; Short-rib thoracic dysplasia 10 with or without polydactyly. Last evaluated: 2022-07-03. Review status: criteria provided, single submitter. Criteria: Invitae Variant Classification Sherloc (09022015). Collection method: clinical testing. Allele origin: germline.

PreventionGenetics, part of Exact Sciences
Classification: Likely benign for IFT172-related condition. Last evaluated: 2022-05-05. Review status: no assertion criteria provided. Collection method: clinical testing. Allele origin: germline. Not counted in ClinVar's aggregate classification.
Comment: This variant is classified as likely benign based on ACMG/AMP sequence variant interpretation guidelines (Richards et al. 2015 PMID: 25741868, with internal and published modifications).

NM_015662.3(IFT172):c.4915-5T>C

Genes: IFT172 (intraflagellar transport 172; minus strand), KRTCAP3 (keratinocyte associated protein 3; plus strand). Cytogenetic location: 2p23.3.
Variant type: single nucleotide variant.
Coding change: c.4915-5T>C on transcript NM_015662.3 (MANE Select); 5 bases into the intron before coding-DNA position 4915, T replaced by C.
Molecular consequence: intron variant.
Genome position (GRCh38, 1-based): chr2:27,445,454, A>G on the plus strand (T>C on the coding strand, the complement: IFT172 is on the minus strand). VCF-style: chr2-27445454-A-G. GRCh37 (hg19) VCF-style: chr2-27668321-A-G.
Other names: c.*6-847A>G (NM_001168364.2); c.4849-5T>C (NM_001410739.1).
Identifiers: ClinVar variation 2013799 (VCV002013799.5), dbSNP rs764401765, ClinGen allele CA531446487.